The following is an entry in ClinVar:

ClinVar aggregate classification (germline): Uncertain significance (1 of 4 stars; one submission).

Conditions:
Cardiovascular phenotype. Identifiers: MedGen CN230736.

gnomAD v4.1: 2 of 1,613,936 alleles (0.00012%); highest among the groups gnomAD compares: Non-Finnish European, 0.00017%; no homozygotes.

Submission:

Ambry Genetics
Classification: Uncertain significance for Cardiovascular phenotype. Last evaluated: 2026-05-20. Review status: criteria provided, single submitter. Criteria: Ambry Variant Classification Scheme 2023. Collection method: clinical testing. Allele origin: germline.
Comment: The p.F3687Y variant (also known as c.11060T>A), located in coding exon 26 of the APOB gene, results from a T to A substitution at nucleotide position 11060. The phenylalanine at codon 3687 is replaced by tyrosine, an amino acid with highly similar properties. This amino acid position is conserved. In addition, this alteration is predicted to be tolerated by in silico analysis. Based on the available evidence, the clinical significance of this variant remains unclear.

NM_000384.3(APOB):c.11060T>A (p.Phe3687Tyr)

Gene: APOB (apolipoprotein B; minus strand). Cytogenetic location: 2p24.1.
Variant type: single nucleotide variant.
Coding change: c.11060T>A on transcript NM_000384.3 (MANE Select); coding-DNA position 11060, T replaced by A.
Protein change: p.Phe3687Tyr; replaces phenylalanine 3687 with tyrosine.
Molecular consequence: missense variant.
Genome position (GRCh38, 1-based): chr2:21,005,808, A>T on the plus strand (T>A on the coding strand, the complement: APOB is on the minus strand). VCF-style: chr2-21005808-A-T. GRCh37 (hg19) VCF-style: chr2-21228680-A-T.
Other names: short protein forms F3687Y.
Identifiers: ClinVar variation 4862664 (VCV004862664.1).
Genomic context (GRCh38, chr2:21,005,808, plus strand): 5'-GCAGTTGAAACACGAAGATGCTGTCTCCTACCAATGCTGGTGGTTACATCCAGCTTTAGG[A>T]AATCCCATAAGCTCTTGTCATAGACTGGTAGGATGATATTTTTGAGGAACCTTAGGTGTC-3'
Protein context (NP_000375.3, residues 3677-3697): LPVYDKSLWD[Phe3687Tyr]LKLDVTTSIG